The following is an entry in ClinVar:

ClinVar aggregate classification (germline): Uncertain significance (1 of 4 stars; one submission).

Submission:

GeneDx
Classification: Uncertain significance. Last evaluated: 2023-04-12. Review status: criteria provided, single submitter. Criteria: GeneDx Variant Classification Process June 2021. Collection method: clinical testing. Allele origin: germline. Affected: yes.
Comment: Not observed at significant frequency in large population cohorts (gnomAD); In silico analysis supports that this missense variant does not alter protein structure/function; Has not been previously published as pathogenic or benign to our knowledge

NM_017635.5(KMT5B):c.734A>G (p.His245Arg)

Gene: KMT5B (lysine methyltransferase 5B; minus strand). Cytogenetic location: 11q13.2.
Variant type: single nucleotide variant.
Coding change: c.734A>G on transcript NM_017635.5 (MANE Select); coding-DNA position 734, A replaced by G.
Protein change: p.His245Arg; replaces histidine 245 with arginine.
Molecular consequence: missense variant. On other transcripts: non-coding transcript variant (2).
Genome position (GRCh38, 1-based): chr11:68,171,629, T>C on the plus strand (A>G on the coding strand, the complement: KMT5B is on the minus strand). VCF-style: chr11-68171629-T-C. GRCh37 (hg19) VCF-style: chr11-67939096-T-C.
Other names: c.218A>G, p.His73Arg (NM_001300907.1, NM_001369424.1, NM_001369428.1 and 5 more transcripts); c.14A>G, p.His5Arg (NM_001300908.2); c.665A>G, p.His222Arg (NM_001300909.2); c.734A>G, p.His245Arg (NM_001363566.2, NM_001369426.1, NM_001369427.1 and 1 more transcripts); c.521A>G, p.His174Arg (NM_001369425.1); short protein forms H174R, H222R, H245R, H5R, H73R.
Identifiers: ClinVar variation 2662027 (VCV002662027.1), dbSNP rs2495306592, ClinGen allele CA381605307.